The following is an entry in ClinVar:

NM_004100.5(EYA4):c.793G>A (p.Gly265Ser)

Gene: EYA4 (EYA transcriptional coactivator and phosphatase 4; plus strand). Cytogenetic location: 6q23.2.
Variant type: single nucleotide variant.
Coding change: c.793G>A on transcript NM_004100.5 (MANE Select); coding-DNA position 793, G replaced by A.
Protein change: p.Gly265Ser; replaces glycine 265 with serine.
Molecular consequence: missense variant.
Genome position (GRCh38, 1-based): chr6:133,464,847, G>A. VCF-style: chr6-133464847-G-A. GRCh37 (hg19) VCF-style: chr6-133785985-G-A.
Other names: c.631G>A, p.Gly211Ser (NM_001301012.2, NM_001370459.1); c.793G>A, p.Gly265Ser (NM_001301013.2, NM_172105.4); c.724G>A, p.Gly242Ser (NM_001370458.1, NM_172103.4); short protein forms G242S, G211S, G265S.
Identifiers: ClinVar variation 1761318 (VCV001761318.8), dbSNP rs753638348, ClinGen allele CA148049887.
Genomic context (GRCh38, chr6:133,464,847, plus strand): 5'-TTTGCACCATCATCTACTATTTATGCAAATAATTCAGTTTCCAATTCAACGAATTTCAGT[G>A]GTTCACAACAGGTATAGTAGCTTTTTGTGTTTATGCTTTTTATATGTATTTCAGATTTTT-3'
Protein context (NP_004091.3, residues 255-275): NSVSNSTNFS[Gly265Ser]SQQDYPSYTA

ClinVar aggregate classification (germline): Uncertain significance. Review status: criteria provided, multiple submitters, no conflicts (2 of 4 stars). 3 submissions from 3 submitters: Uncertain significance (3). Last evaluated 2024-05-12.

Conditions:
Cardiovascular phenotype. Identifiers: MedGen CN230736.
Dilated cardiomyopathy 1J (CMD1J). Also called: CARDIOMYOPATHY, DILATED, WITH SENSORINEURAL HEARING LOSS, AUTOSOMAL DOMINANT. Identifiers: Orphanet 217622, MedGen C1854368, MONDO:0011541, OMIM 605362.

Submissions (3):

GeneDx
Classification: Uncertain significance. Last evaluated: 2024-05-12. Review status: criteria provided, single submitter. Criteria: GeneDx Variant Classification Process June 2021. Collection method: clinical testing. Allele origin: germline. Affected: yes.
Comment: Has not been previously published as pathogenic or benign to our knowledge; Not observed at significant frequency in large population cohorts (gnomAD); In silico analysis indicates that this missense variant does not alter protein structure/function

Labcorp Genetics (formerly Invitae), Labcorp
Classification: Uncertain significance for Dilated cardiomyopathy 1J. Last evaluated: 2023-10-20. Review status: criteria provided, single submitter. Criteria: Invitae Variant Classification Sherloc (09022015). Collection method: clinical testing. Allele origin: germline.
Comment: This sequence change replaces glycine, which is neutral and non-polar, with serine, which is neutral and polar, at codon 265 of the EYA4 protein (p.Gly265Ser). This variant is not present in population databases (gnomAD no frequency). This variant has not been reported in the literature in individuals affected with EYA4-related conditions. ClinVar contains an entry for this variant (Variation ID: 1761318). Algorithms developed to predict the effect of missense changes on protein structure and function output the following: SIFT: "Not Available"; PolyPhen-2: "Benign"; Align-GVGD: "Not Available". The serine amino acid residue is found in multiple mammalian species, which suggests that this missense change does not adversely affect protein function. In summary, the available evidence is currently insufficient to determine the role of this variant in disease. Therefore, it has been classified as a Variant of Uncertain Significance.

Ambry Genetics
Classification: Uncertain significance for Cardiovascular phenotype. Last evaluated: 2022-08-24. Review status: criteria provided, single submitter. Criteria: Ambry Variant Classification Scheme 2023. Collection method: clinical testing. Allele origin: germline.
Comment: The p.G265S variant (also known as c.793G>A), located in coding exon 9 of the EYA4 gene, results from a G to A substitution at nucleotide position 793. The glycine at codon 265 is replaced by serine, an amino acid with similar properties. This amino acid position is not well conserved in available vertebrate species. In addition, this alteration is predicted to be tolerated by in silico analysis. Since supporting evidence is limited at this time, the clinical significance of this alteration remains unclear.